The following is an entry in ClinVar:

ClinVar aggregate classification (germline): Benign/Likely benign. Review status: criteria provided, multiple submitters, no conflicts (2 of 4 stars). 6 submissions from 6 submitters: Benign (5); Likely benign (1). Last evaluated 2026-05-11.

Allele frequency attached by ClinVar (database versions not stated): gnomAD exomes 0.00049 and 0.00127; ExAC 0.00172; gnomAD 0.00497 and 0.00533; TOPMed 0.00561; 1000 Genomes Project 0.00719.
gnomAD v4.1: 1,534 of 1,611,434 alleles (0.095%); highest among the groups gnomAD compares: African/African-American, 1.7%; 8 homozygotes.

Submissions (6):

Women's Health and Genetics/Laboratory Corporation of America, LabCorp
Classification: Benign. Last evaluated: 2026-05-11. Review status: criteria provided, single submitter. Criteria: LabCorp Variant Classification Summary - May 2015. Collection method: clinical testing. Allele origin: germline.

Labcorp Genetics (formerly Invitae), Labcorp
Classification: Benign. Last evaluated: 2026-02-01. Review status: criteria provided, single submitter. Criteria: Invitae Variant Classification Sherloc (09022015). Collection method: clinical testing. Allele origin: germline.

Blueprint Genetics
Classification: Likely benign. Last evaluated: 2024-11-13. Review status: criteria provided, single submitter. Criteria: ACMG Guidelines, 2015. Collection method: clinical testing. Allele origin: germline.

ARUP Laboratories, Molecular Genetics and Genomics, ARUP Laboratories
Classification: Benign. Last evaluated: 2024-01-26. Review status: criteria provided, single submitter. Criteria: ARUP Molecular Germline Variant Investigation Process 2024. Collection method: clinical testing. Allele origin: germline.

GeneDx
Classification: Benign. Last evaluated: 2016-08-26. Review status: criteria provided, single submitter. Criteria: GeneDx Variant Classification (06012015). Collection method: clinical testing. Allele origin: germline. Affected: yes.
Comment: This variant is considered likely benign or benign based on one or more of the following criteria: it is a conservative change, it occurs at a poorly conserved position in the protein, it is predicted to be benign by multiple in silico algorithms, and/or has population frequency not consistent with disease.

Breakthrough Genomics
Classification: Benign. Review status: criteria provided, single submitter. Criteria: ACMG Guidelines, 2015. Collection method: not provided. Allele origin: germline. Inheritance: Autosomal dominant inheritance. Affected: yes.

NM_000142.5(FGFR3):c.1645+15G>A

Gene: FGFR3 (fibroblast growth factor receptor 3; plus strand). Cytogenetic location: 4p16.3.
Variant type: single nucleotide variant.
Coding change: c.1645+15G>A on transcript NM_000142.5 (MANE Select); 15 bases into the intron after coding-DNA position 1645, G replaced by A.
Molecular consequence: intron variant.
Genome position (GRCh38, 1-based): chr4:1,805,684, G>A. VCF-style: chr4-1805684-G-A. GRCh37 (hg19) VCF-style: chr4-1807411-G-A.
Other names: c.1651+15G>A (NM_001163213.2); c.1648+15G>A (NM_001354809.2, NM_001354810.2); c.1309+15G>A (NM_022965.4).
Identifiers: ClinVar variation 386784 (VCV000386784.20), dbSNP rs192433202, ClinGen allele CA2810501.